The following is an entry in ClinVar:

ClinVar aggregate classification (germline): Uncertain significance (1 of 4 stars; one submission).

Conditions:
Inborn genetic diseases. Identifiers: MedGen C0950123, MeSH D030342.

gnomAD v4.1: 1 of 1,511,148 alleles (0.000066%); highest among the groups gnomAD compares: Non-Finnish European, 0.000088%; no homozygotes.

Submission:

Ambry Genetics
Classification: Uncertain significance for Inborn genetic diseases. Last evaluated: 2018-03-02. Review status: criteria provided, single submitter. Criteria: Ambry Variant Classification Scheme 2023. Collection method: clinical testing. Allele origin: germline.
Comment: The p.A19T variant (also known as c.55G>A), located in coding exon 1 of the FXN gene, results from a G to A substitution at nucleotide position 55. The alanine at codon 19 is replaced by threonine, an amino acid with similar properties. This amino acid position is well conserved in available vertebrate species; however, threonine is the reference amino acid in other vertebrate species. In addition, this alteration is predicted to be tolerated by in silico analysis. Since supporting evidence is limited at this time, the clinical significance of this alteration remains unclear.

NM_000144.5(FXN):c.55G>A (p.Ala19Thr)

Genes: FXN (frataxin; plus strand), LOC130001862 (ATAC-STARR-seq lymphoblastoid silent region 19931; plus strand). Cytogenetic location: 9q21.11.
Variant type: single nucleotide variant.
Coding change: c.55G>A on transcript NM_000144.5 (MANE Select); coding-DNA position 55, G replaced by A.
Protein change: p.Ala19Thr; replaces alanine 19 with threonine.
Molecular consequence: missense variant.
Genome position (GRCh38, 1-based): chr9:69,035,837, G>A. VCF-style: chr9-69035837-G-A. GRCh37 (hg19) VCF-style: chr9-71650753-G-A.
Other names: c.55G>A, p.Ala19Thr (NM_181425.3); short protein forms A19T.
Identifiers: ClinVar variation 1748562 (VCV001748562.2), dbSNP rs1316684728, ClinGen allele CA373527360.